The following is an entry in ClinVar:

NM_001329943.3(KIAA0586):c.961+6_961+7del

Gene: KIAA0586 (KIAA0586; plus strand). Cytogenetic location: 14q23.1.
Variant type: Deletion.
Coding change: c.961+6_961+7del on transcript NM_001329943.3 (MANE Select); bases 6 to 7 of the intron after coding-DNA position 961, 2 bases deleted (AA; older notation c.961+6_961+7delAA).
Molecular consequence: intron variant.
Genome position (GRCh38, 1-based): chr14:58,448,499-58,448,500, AA deleted; deleting any 2 consecutive bases within chr14:58,448,496-58,448,500 gives the same sequence; the c. name uses the placement nearest the transcript's 3' end. VCF-style (leftmost placement, unchanged base first): chr14-58448495-TAA-T. GRCh37 (hg19) VCF-style: chr14-58915213-TAA-T.
Other names: c.1120+6_1120+7del (NM_001244189.2); c.916+6_916+7del (NM_001244190.2); c.829+6_829+7del (NM_001244192.2); c.706+6_706+7del (NM_001244191.2, NM_001364701.2, NM_001329945.2 and 1 more transcripts); c.961+6_961+7del (NM_001329944.2, NM_001329946.2, NM_001329947.2 and 1 more transcripts); c.541+6_541+7del (NM_001244193.2).
Identifiers: ClinVar variation 939681 (VCV000939681.9), dbSNP rs1308763926, ClinGen allele CA707255365.

ClinVar aggregate classification (germline): Uncertain significance (1 of 4 stars; one submission).

Conditions:
Joubert syndrome 23 (JBTS23). Identifiers: Orphanet 475, MedGen C4084822, MONDO:0014664, OMIM 616490.
Short-rib thoracic dysplasia 14 with polydactyly (SRTD14). Identifiers: Orphanet 397715, MedGen C4225286, MONDO:0014688, OMIM 616546.

Submission:

Labcorp Genetics (formerly Invitae), Labcorp
Classification: Uncertain significance for Joubert syndrome 23; Short-rib thoracic dysplasia 14 with polydactyly. Last evaluated: 2023-08-17. Review status: criteria provided, single submitter. Criteria: Invitae Variant Classification Sherloc (09022015). Collection method: clinical testing. Allele origin: germline.
Comment: In summary, the available evidence is currently insufficient to determine the role of this variant in disease. Therefore, it has been classified as a Variant of Uncertain Significance. Variants that disrupt the consensus splice site are a relatively common cause of aberrant splicing (PMID: 17576681, 9536098). Algorithms developed to predict the effect of sequence changes on RNA splicing suggest that this variant is not likely to affect RNA splicing. ClinVar contains an entry for this variant (Variation ID: 939681). This variant has not been reported in the literature in individuals affected with KIAA0586-related conditions. This variant is not present in population databases (gnomAD no frequency). This sequence change falls in intron 9 of the KIAA0586 gene. It does not directly change the encoded amino acid sequence of the KIAA0586 protein. It affects a nucleotide within the consensus splice site.

Literature cited by the submitters: PubMed 17576681; PubMed 9536098.